The following is an entry in ClinVar:

ClinVar aggregate classification (germline): Uncertain significance (1 of 4 stars; one submission).

Submission:

GeneDx
Classification: Uncertain significance. Last evaluated: 2023-06-29. Review status: criteria provided, single submitter. Criteria: GeneDx Variant Classification Process June 2021. Collection method: clinical testing. Allele origin: germline. Affected: yes.
Comment: Not observed at significant frequency in large population cohorts (gnomAD); In silico analysis supports that this missense variant does not alter protein structure/function; Has not been previously published as pathogenic or benign to our knowledge

NM_004818.3(DDX23):c.1249A>C (p.Ile417Leu)

Gene: DDX23 (DEAD-box helicase 23; minus strand). Cytogenetic location: 12q13.12.
Variant type: single nucleotide variant.
Coding change: c.1249A>C on transcript NM_004818.3 (MANE Select); coding-DNA position 1249, A replaced by C.
Protein change: p.Ile417Leu; replaces isoleucine 417 with leucine.
Molecular consequence: missense variant.
Genome position (GRCh38, 1-based): chr12:48,836,254, T>G on the plus strand (A>C on the coding strand, the complement: DDX23 is on the minus strand). VCF-style: chr12-48836254-T-G. GRCh37 (hg19) VCF-style: chr12-49230037-T-G.
Other names: short protein forms I417L.
Identifiers: ClinVar variation 3360659 (VCV003360659.1).
Genomic context (GRCh38, chr12:48,836,254, plus strand): 5'-TCTCAGCCACACCAATGATGTCACGATTCTGTAGCCCAATGGGAATTGCCTGACGCTGTA[T>G]AGGTGTTGGTTCCTGCAGTGACCCCAAGAAAGAGTAATAGGTACAGGGAGAGTTATACCA-3'
Protein context (NP_004809.2, residues 407-427): DKCGYKEPTP[Ile417Leu]QRQAIPIGLQ